The following is an entry in ClinVar:

ClinVar aggregate classification (germline): Uncertain significance. Review status: criteria provided, multiple submitters, no conflicts (2 of 4 stars). 2 submissions from 2 submitters: Uncertain significance (2). Last evaluated 2021-03-12.

Conditions:
Intellectual disability, autosomal dominant 16 (CSS4). Also called: COFFIN-SIRIS SYNDROME 4. Identifiers: Orphanet 1465, MedGen C3553249, MONDO:0013821, OMIM 614609.
Rhabdoid tumor predisposition syndrome 2 (RTPS2). Identifiers: Orphanet 231108, Orphanet 69077, MedGen C2750074, MONDO:0013224, OMIM 613325.

Submissions (2):

New York Genome Center
Classification: Uncertain significance for Intellectual disability, autosomal dominant 16. Last evaluated: 2021-03-12. Review status: criteria provided, single submitter. Criteria: NYGC Assertion Criteria 2020. Collection method: clinical testing. Allele origin: inherited. Observed: 1 heterozygote. Study: CSER-NYCKidSeq.

Labcorp Genetics (formerly Invitae), Labcorp
Classification: Uncertain significance for Rhabdoid tumor predisposition syndrome 2. Last evaluated: 2018-05-09. Review status: criteria provided, single submitter. Criteria: Invitae Variant Classification Sherloc (09022015). Collection method: clinical testing. Allele origin: germline.
Comment: This variant has not been reported in the literature in individuals with SMARCA4-related disease. Algorithms developed to predict the effect of missense changes on protein structure and function do not agree on the potential impact of this missense change (SIFT: "Deleterious"; PolyPhen-2: "Benign"; Align-GVGD: "Class C0"). In summary, the available evidence is currently insufficient to determine the role of this variant in disease. Therefore, it has been classified as a Variant of Uncertain Significance. This variant is not present in population databases (ExAC no frequency). This sequence change replaces glutamic acid with glutamine at codon 1610 of the SMARCA4 protein (p.Glu1610Gln). The glutamic acid residue is moderately conserved and there is a small physicochemical difference between glutamic acid and glutamine.

NM_003072.5(SMARCA4):c.4732G>C (p.Glu1578Gln)

Gene: SMARCA4 (SWI/SNF related BAF chromatin remodeling complex subunit ATPase 4; plus strand). Cytogenetic location: 19p13.2.
Variant type: single nucleotide variant.
Coding change: c.4732G>C on transcript NM_003072.5 (MANE Select); coding-DNA position 4732, G replaced by C.
Protein change: p.Glu1578Gln; replaces glutamic acid 1578 with glutamine.
Molecular consequence: missense variant. On other transcripts: non-coding transcript variant (1).
Genome position (GRCh38, 1-based): chr19:11,059,849, G>C. VCF-style: chr19-11059849-G-C. GRCh37 (hg19) VCF-style: chr19-11170525-G-C.
Other names: c.4732G>C, p.Glu1578Gln (NM_001128844.3); c.4642G>C, p.Glu1548Gln (NM_001128845.2); c.4639G>C, p.Glu1547Gln (NM_001128846.2); c.4633G>C, p.Glu1545Gln (NM_001128847.4, NM_001374457.1); c.4630G>C, p.Glu1544Gln (NM_001128848.2); c.4828G>C, p.Glu1610Gln (NM_001128849.3, NM_001387283.1); short protein forms E1610Q, E1545Q, E1544Q, E1578Q, E1547Q, E1548Q.
Identifiers: ClinVar variation 571986 (VCV000571986.9), dbSNP rs1555795999, ClinGen allele CA404079650.